The following is an entry in ClinVar:

ClinVar aggregate classification (germline): Uncertain significance. Review status: criteria provided, multiple submitters, no conflicts (2 of 4 stars). 3 submissions from 3 submitters: Uncertain significance (3). Last evaluated 2026-01-29.

Conditions:
Neutropenia, severe congenital, 2, autosomal dominant. Identifiers: Orphanet 486, MedGen C2751288, MONDO:0013139, OMIM 613107.

Allele frequency attached by ClinVar (database versions not stated): TOPMed below 0.00001.
gnomAD v4.1: 5 of 1,561,114 alleles (0.00032%); highest among the groups gnomAD compares: East Asian, 0.0023%; no homozygotes.

Submissions (3):

Dasa
Classification: Uncertain significance. Last evaluated: 2026-01-29. Review status: criteria provided, single submitter. Criteria: DASA Assertion Criteria. Collection method: clinical testing. Allele origin: germline.
Comment: NM_005263.5(GFI1):c.776A>G (p.Lys259Arg) is a missense variant that results in the substitution of lysine with arginine. This variant is rare in population databases. The currently available literature and clinical evidence are not sufficient to establish a definitive association between this variant and the reported condition. Therefore, this variant is classified as a variant of uncertain significance.

Ambry Genetics
Classification: Uncertain significance. Last evaluated: 2025-03-31. Review status: criteria provided, single submitter. Criteria: Ambry Variant Classification Scheme 2023. Collection method: clinical testing. Allele origin: germline.
Comment: The p.K259R variant (also known as c.776A>G), located in coding exon 3 of the GFI1 gene, results from an A to G substitution at nucleotide position 776. The lysine at codon 259 is replaced by arginine, an amino acid with highly similar properties. This amino acid position is conserved. In addition, this alteration is predicted to be tolerated by in silico analysis. Based on the available evidence, the clinical significance of this variant remains unclear.

Labcorp Genetics (formerly Invitae), Labcorp
Classification: Uncertain significance for Neutropenia, severe congenital, 2, autosomal dominant. Last evaluated: 2022-07-25. Review status: criteria provided, single submitter. Criteria: Invitae Variant Classification Sherloc (09022015). Collection method: clinical testing. Allele origin: germline.
Comment: In summary, the available evidence is currently insufficient to determine the role of this variant in disease. Therefore, it has been classified as a Variant of Uncertain Significance. Algorithms developed to predict the effect of missense changes on protein structure and function (SIFT, PolyPhen-2, Align-GVGD) all suggest that this variant is likely to be tolerated. This variant has not been reported in the literature in individuals affected with GFI1-related conditions. This variant is present in population databases (rs749555021, gnomAD 0.004%). This sequence change replaces lysine, which is basic and polar, with arginine, which is basic and polar, at codon 259 of the GFI1 protein (p.Lys259Arg).

NM_005263.5(GFI1):c.776A>G (p.Lys259Arg)

Gene: GFI1 (growth factor independent 1 transcriptional repressor; minus strand). Cytogenetic location: 1p22.1.
Variant type: single nucleotide variant.
Coding change: c.776A>G on transcript NM_005263.5 (MANE Select); coding-DNA position 776, A replaced by G.
Protein change: p.Lys259Arg; replaces lysine 259 with arginine.
Molecular consequence: missense variant.
Genome position (GRCh38, 1-based): chr1:92,480,611, T>C on the plus strand (A>G on the coding strand, the complement: GFI1 is on the minus strand). VCF-style: chr1-92480611-T-C. GRCh37 (hg19) VCF-style: chr1-92946168-T-C.
Other names: c.776A>G, p.Lys259Arg (NM_001127215.3, NM_001127216.3); short protein forms K259R.
Identifiers: ClinVar variation 1982701 (VCV001982701.8), dbSNP rs749555021, ClinGen allele CA951319.